The following is an entry in ClinVar:

NM_001292063.2(OTOG):c.8567G>A (p.Arg2856Lys)

Gene: OTOG (otogelin; plus strand). Cytogenetic location: 11p15.1.
Variant type: single nucleotide variant.
Coding change: c.8567G>A on transcript NM_001292063.2 (MANE Select); coding-DNA position 8567, G replaced by A.
Protein change: p.Arg2856Lys; replaces arginine 2856 with lysine.
Molecular consequence: missense variant.
Genome position (GRCh38, 1-based): chr11:17,645,769, G>A. VCF-style: chr11-17645769-G-A. GRCh37 (hg19) VCF-style: chr11-17667316-G-A.
Other names: c.8603G>A, p.Arg2868Lys (NM_001277269.2); short protein forms R2856K, R2868K.
Identifiers: ClinVar variation 3731358 (VCV003731358.1).

ClinVar aggregate classification (germline): Uncertain significance (1 of 4 stars; one submission).

Conditions:
Autosomal recessive nonsyndromic hearing loss 18B. Also called: Deafness, autosomal recessive 18b. Identifiers: Orphanet 90636, MedGen C3554163, MONDO:0013985, OMIM 614945.

gnomAD v4.1: 2 of 1,550,916 alleles (0.00013%); no homozygotes.

Submission:

Neuberg Centre For Genomic Medicine, NCGM
Classification: Uncertain significance for Autosomal recessive nonsyndromic hearing loss 18B. Last evaluated: 2023-06-22. Review status: criteria provided, single submitter. Criteria: ACMG Guidelines, 2015. Collection method: clinical testing. Allele origin: germline. Inheritance: Autosomal recessive inheritance. Affected: yes.
Comment: The observed missense c.8567G>A(p.Arg2856Lys) variant in gene OTOG has not been reported previously as a pathogenic variant nor as a benign variant, to our knowledge. This variant is absent in gnomAD Exomes. The amino acid Arg at position 2856 is changed to a Lys changing protein sequence and it might alter its composition and physico-chemical properties. The amino acid change p.Arg2856Lys in OTOG is predicted as conserved by GERP++ and PhyloP across 100 vertebrates. Computational evidence (Polyphen - Not available, SIFT - Tolerated, and MutationTaster - Polymorphism) predicts conflicting evidence on protein structure and function for this variant. For these reasons, this variant has been classified as Uncertain Significance.